The following is an entry in ClinVar:

ClinVar aggregate classification (germline): Uncertain significance. Review status: criteria provided, multiple submitters, no conflicts (2 of 4 stars). 2 submissions from 2 submitters: Uncertain significance (2). Last evaluated 2025-11-15.

Conditions:
Inborn genetic diseases. Identifiers: MedGen C0950123, MeSH D030342.

gnomAD v4.1: 8 of 1,614,096 alleles (0.0005%); highest among the groups gnomAD compares: Admixed American, 0.0017%; no homozygotes.

Submissions (2):

Labcorp Genetics (formerly Invitae), Labcorp
Classification: Uncertain significance. Last evaluated: 2025-11-15. Review status: criteria provided, single submitter. Criteria: Invitae Variant Classification Sherloc (09022015). Collection method: clinical testing. Allele origin: germline.
Comment: This sequence change replaces proline, which is neutral and non-polar, with serine, which is neutral and polar, at codon 15 of the SYT2 protein (p.Pro15Ser). This variant is present in population databases (no rsID available, gnomAD 0.003%). This variant has not been reported in the literature in individuals affected with SYT2-related conditions. ClinVar contains an entry for this variant (Variation ID: 3324038). An algorithm developed to predict the effect of missense changes on protein structure and function (PolyPhen-2) suggests that this variant is likely to be tolerated. In summary, the available evidence is currently insufficient to determine the role of this variant in disease. Therefore, it has been classified as a Variant of Uncertain Significance.

Ambry Genetics
Classification: Uncertain significance for Inborn genetic diseases. Last evaluated: 2024-06-04. Review status: criteria provided, single submitter. Criteria: Ambry Variant Classification Scheme 2023. Collection method: clinical testing. Allele origin: germline.

NM_177402.5(SYT2):c.43C>T (p.Pro15Ser)

Gene: SYT2 (synaptotagmin 2; minus strand). Cytogenetic location: 1q32.1.
Variant type: single nucleotide variant.
Coding change: c.43C>T on transcript NM_177402.5 (MANE Select); coding-DNA position 43, C replaced by T.
Protein change: p.Pro15Ser; replaces proline 15 with serine.
Molecular consequence: missense variant.
Genome position (GRCh38, 1-based): chr1:202,605,730, G>A on the plus strand (C>T on the coding strand, the complement: SYT2 is on the minus strand). VCF-style: chr1-202605730-G-A. GRCh37 (hg19) VCF-style: chr1-202574858-G-A.
Other names: c.43C>T, p.Pro15Ser (NM_001136504.1); short protein forms P15S.
Identifiers: ClinVar variation 3324038 (VCV003324038.2).